The following is an entry in ClinVar:

NM_032217.5(ANKRD17):c.5328-12dup

Gene: ANKRD17 (ankyrin repeat domain 17; minus strand). Cytogenetic location: 4q13.3.
Variant type: Duplication.
Coding change: c.5328-12dup on transcript NM_032217.5 (MANE Select); 12 bases into the intron before coding-DNA position 5328, one base duplicated (C; older notation c.5328-12dupC).
Molecular consequence: intron variant.
Genome position (GRCh38, 1-based): chr4:73,092,312, G duplicated on the plus strand (C on the coding strand, the reverse complement: ANKRD17 is on the minus strand). VCF-style (leftmost placement, unchanged base first): chr4-73092311-A-AG. GRCh37 (hg19) VCF-style: chr4-73958028-A-AG.
Other names: c.4575-12dup (NM_198889.3); c.5325-12dup (NM_015574.2); c.4989-12dup (NM_001286771.3); c.5328-12dupC (NM_032217.5).
Identifiers: ClinVar variation 3063700 (VCV003063700.1), dbSNP rs2530180610, ClinGen allele CA2670958245.

ClinVar aggregate classification (germline): Likely benign (1 of 4 stars; one submission).

Allele frequency attached by ClinVar (database versions not stated): gnomAD exomes below 0.00001.

Submission:

Women's Health and Genetics/Laboratory Corporation of America, LabCorp
Classification: Likely benign. Last evaluated: 2024-01-29. Review status: criteria provided, single submitter. Criteria: LabCorp Variant Classification Summary - May 2015. Collection method: clinical testing. Allele origin: germline.
Comment: Variant summary: ANKRD17 c.5328-12dupC alters a nucleotide located at a position not widely known to affect splicing. Consensus agreement among computation tools predict no significant impact on normal splicing. However, these predictions have yet to be confirmed by functional studies. The frequency data for this variant in gnomAD is considered unreliable, as metrics indicate poor data quality at this position. To our knowledge, no occurrence of c.5328-12dupC in individuals affected with Chopra-Amiel Syndrome and no experimental evidence demonstrating its impact on protein function have been reported. No submitters have cited clinical-significance assessments for this variant to ClinVar. Based on the evidence outlined above, the variant was classified as likely benign.